The following is an entry in ClinVar:

NM_000094.4(COL7A1):c.1241-5G>A

Gene: COL7A1 (collagen type VII alpha 1 chain; minus strand). Cytogenetic location: 3p21.31.
Variant type: single nucleotide variant.
Coding change: c.1241-5G>A on transcript NM_000094.4 (MANE Select); 5 bases into the intron before coding-DNA position 1241, G replaced by A.
Molecular consequence: intron variant.
Genome position (GRCh38, 1-based): chr3:48,592,019, C>T on the plus strand (G>A on the coding strand, the complement: COL7A1 is on the minus strand). VCF-style: chr3-48592019-C-T. GRCh37 (hg19) VCF-style: chr3-48629452-C-T.
Identifiers: ClinVar variation 2994411 (VCV002994411.5), dbSNP rs2531319633, ClinGen allele CA2740094393.

ClinVar aggregate classification (germline): Conflicting classifications of pathogenicity. Review status: criteria provided, conflicting classifications (1 of 4 stars). 3 submissions from 3 submitters: Pathogenic (1); Likely pathogenic (1); Uncertain significance (1). Last evaluated 2026-07-29.

Conditions:
Recessive dystrophic epidermolysis bullosa (RDEB). Also called: EPIDERMOLYSIS BULLOSA DYSTROPHICA, GENERALIZED SEVERE, AUTOSOMAL RECESSIVE; Epidermolysis Bullosa Distrophica Autosomal Recessive (RDEB); severe generalized recessive dystrophic epidermolysis bullosa; DYSTROPHIC EPIDERMOLYSIS BULLOSA, AUTOSOMAL RECESSIVE; EPIDERMOLYSIS BULLOSA DYSTROPHICA, HALLOPEAU-SIEMENS TYPE; Hallopeau-Siemens Disease. Identifiers: Orphanet 79408, Orphanet 79409, MedGen C0079474, MONDO:0009179, OMIM 226600.

Submissions (3):

Department of Human Genetics, Hannover Medical School
Classification: Likely pathogenic for Recessive dystrophic epidermolysis bullosa. Last evaluated: 2026-07-29. Review status: criteria provided, single submitter. Criteria: ACMG Guidelines, 2015. Collection method: clinical testing. Allele origin: germline. Inheritance: Autosomal recessive inheritance. Affected: yes.
Comment: ACMG/ClinGen SVC: PM2_Supporting, PM3_Sup, PP3, PP4_Strong

GeneDx
Classification: Uncertain significance. Last evaluated: 2025-06-25. Review status: criteria provided, single submitter. Criteria: GeneDx Variant Classification Process June 2021. Collection method: clinical testing. Allele origin: germline. Affected: yes.
Comment: Not observed at significant frequency in large population cohorts (gnomAD); In silico analysis supports a deleterious effect on splicing; Has not been previously published as pathogenic or benign to our knowledge

Labcorp Genetics (formerly Invitae), Labcorp
Classification: Pathogenic. Last evaluated: 2024-02-26. Review status: criteria provided, single submitter. Criteria: Invitae Variant Classification Sherloc (09022015). Collection method: clinical testing. Allele origin: germline.
Comment: This sequence change falls in intron 9 of the COL7A1 gene. It does not directly change the encoded amino acid sequence of the COL7A1 protein. This variant is not present in population databases (gnomAD no frequency). This variant has been observed in individual(s) with clinical features of epidermolysis bullosa dystrophica (Invitae). In at least one individual the data is consistent with being in trans (on the opposite chromosome) from a pathogenic variant. It has also been observed to segregate with disease in related individuals. Algorithms developed to predict the effect of sequence changes on RNA splicing suggest that this variant may create or strengthen a splice site. For these reasons, this variant has been classified as Pathogenic.